The following is an entry in ClinVar:

ClinVar aggregate classification (germline): Uncertain significance (1 of 4 stars; one submission).

Allele frequency attached by ClinVar (database versions not stated): gnomAD exomes below 0.00001; gnomAD 0.00001 and 0.00002; TOPMed 0.00002.
gnomAD v4.1: 6 of 1,614,104 alleles (0.00037%); highest among the groups gnomAD compares: Admixed American, 0.0033%; no homozygotes.

Submission:

Labcorp Genetics (formerly Invitae), Labcorp
Classification: Uncertain significance. Last evaluated: 2022-07-15. Review status: criteria provided, single submitter. Criteria: Invitae Variant Classification Sherloc (09022015). Collection method: clinical testing. Allele origin: germline.
Comment: This sequence change replaces glycine, which is neutral and non-polar, with alanine, which is neutral and non-polar, at codon 235 of the PDZD7 protein (p.Gly235Ala). This variant is not present in population databases (gnomAD no frequency). This variant has not been reported in the literature in individuals affected with PDZD7-related conditions. ClinVar contains an entry for this variant (Variation ID: 1017796). Algorithms developed to predict the effect of missense changes on protein structure and function are either unavailable or do not agree on the potential impact of this missense change (SIFT: "Deleterious"; PolyPhen-2: "Not Available"; Align-GVGD: "Class C55"). In summary, the available evidence is currently insufficient to determine the role of this variant in disease. Therefore, it has been classified as a Variant of Uncertain Significance.

NM_001195263.2(PDZD7):c.704G>C (p.Gly235Ala)

Gene: PDZD7 (PDZ domain containing 7; minus strand). Cytogenetic location: 10q24.31.
Variant type: single nucleotide variant.
Coding change: c.704G>C on transcript NM_001195263.2 (MANE Select); coding-DNA position 704, G replaced by C.
Protein change: p.Gly235Ala; replaces glycine 235 with alanine.
Molecular consequence: missense variant.
Genome position (GRCh38, 1-based): chr10:101,022,224, C>G on the plus strand (G>C on the coding strand, the complement: PDZD7 is on the minus strand). VCF-style: chr10-101022224-C-G. GRCh37 (hg19) VCF-style: chr10-102781981-C-G.
Other names: c.704G>C, p.Gly235Ala (NM_001351044.2, NM_024895.5); short protein forms G235A.
Identifiers: ClinVar variation 1017796 (VCV001017796.7), dbSNP rs906585992, ClinGen allele CA212988311.